The following is an entry in ClinVar:

ClinVar aggregate classification (germline): Likely pathogenic (1 of 4 stars; one submission).

Conditions:
CFTR-related disorder (CFTR-RD). Also called: CFTR-related disorders; CFTR-related condition. Identifiers: MedGen C5924204, MONDO:7770004.

gnomAD v4.1: 7 of 1,611,234 alleles (0.00043%); highest among the groups gnomAD compares: African/African-American, 0.0054%; no homozygotes.

Submission:

Natera, Inc.
Classification: Likely pathogenic for CFTR-related disorders. Last evaluated: 2026-01-23. Review status: criteria provided, single submitter. Criteria: Natera Variant Classification Schema (03/2026). Collection method: clinical testing. Allele origin: germline.
Comment: The c.2615C>A variant in CFTR is a missense variant predicted to cause substitution of alanine to glutamic acid at amino acid 872. This variant is rare in the general population with a frequency below the threshold expected for the associated phenotype(s). This variant has been observed in one or more individuals affected with the associated recessive disease, as either homozygous or compound heterozygous with a second variant (PMID: 32517494). Functional studies show that this variant may disrupt protein function (PMID: 38388235). Computational prediction algorithms indicate this variant is likely to affect gene or protein function. Given the available evidence, this variant is classified as Likely Pathogenic.

Literature cited by the submitters: PubMed 32517494; PubMed 38388235.

NM_000492.4(CFTR):c.2615C>A (p.Ala872Glu)

Gene: CFTR (CF transmembrane conductance regulator; plus strand). Cytogenetic location: 7q31.2.
Variant type: single nucleotide variant.
Coding change: c.2615C>A on transcript NM_000492.4 (MANE Select); coding-DNA position 2615, C replaced by A.
Protein change: p.Ala872Glu; replaces alanine 872 with glutamic acid.
Molecular consequence: missense variant.
Genome position (GRCh38, 1-based): chr7:117,595,054, C>A. VCF-style: chr7-117595054-C-A. GRCh37 (hg19) VCF-style: chr7-117235108-C-A.
Other names: short protein forms A872E.
Identifiers: ClinVar variation 4818509 (VCV004818509.1).